The following is an entry in ClinVar:

ClinVar aggregate classification (germline): Uncertain significance. Review status: criteria provided, multiple submitters, no conflicts (2 of 4 stars). 2 submissions from 2 submitters: Uncertain significance (2). Last evaluated 2024-11-05.

Conditions:
Hereditary cancer-predisposing syndrome. Also called: Tumor predisposition; Hereditary neoplastic syndrome; Hereditary Cancer Syndrome; Neoplastic Syndromes, Hereditary. Identifiers: Orphanet 140162, MedGen C0027672, MeSH D009386, MONDO:0015356.

gnomAD v4.1: 1 of 1,614,190 alleles (0.000062%); highest among the groups gnomAD compares: Non-Finnish European, 0.000085%; no homozygotes.

Submissions (2):

Labcorp Genetics (formerly Invitae), Labcorp
Classification: Uncertain significance. Last evaluated: 2024-11-05. Review status: criteria provided, single submitter. Criteria: Invitae Variant Classification Sherloc (09022015). Collection method: clinical testing. Allele origin: germline.
Comment: This sequence change replaces arginine, which is basic and polar, with leucine, which is neutral and non-polar, at codon 47 of the POLE protein (p.Arg47Leu). This variant is not present in population databases (gnomAD no frequency). This variant has not been reported in the literature in individuals affected with POLE-related conditions. ClinVar contains an entry for this variant (Variation ID: 1465979). Invitae Evidence Modeling of protein sequence and biophysical properties (such as structural, functional, and spatial information, amino acid conservation, physicochemical variation, residue mobility, and thermodynamic stability) indicates that this missense variant is not expected to disrupt POLE protein function with a negative predictive value of 80%. In summary, the available evidence is currently insufficient to determine the role of this variant in disease. Therefore, it has been classified as a Variant of Uncertain Significance.

Ambry Genetics
Classification: Uncertain significance for Hereditary cancer-predisposing syndrome. Last evaluated: 2024-07-24. Review status: criteria provided, single submitter. Criteria: Ambry Variant Classification Scheme 2023. Collection method: clinical testing. Allele origin: germline.
Comment: The p.R47L variant (also known as c.140G>T), located in coding exon 2 of the POLE gene, results from a G to T substitution at nucleotide position 140. The arginine at codon 47 is replaced by leucine, an amino acid with dissimilar properties. This amino acid position is conserved. In addition, this alteration is predicted to be tolerated by in silico analysis. Since supporting evidence is limited at this time, the clinical significance of this alteration remains unclear.

NM_006231.4(POLE):c.140G>T (p.Arg47Leu)

Gene: POLE (DNA polymerase epsilon, catalytic subunit; minus strand). Cytogenetic location: 12q24.33.
Variant type: single nucleotide variant.
Coding change: c.140G>T on transcript NM_006231.4 (MANE Select); coding-DNA position 140, G replaced by T.
Protein change: p.Arg47Leu; replaces arginine 47 with leucine.
Molecular consequence: missense variant.
Genome position (GRCh38, 1-based): chr12:132,681,202, C>A on the plus strand (G>T on the coding strand, the complement: POLE is on the minus strand). VCF-style: chr12-132681202-C-A. GRCh37 (hg19) VCF-style: chr12-133257788-C-A.
Other names: short protein forms R47L.
Identifiers: ClinVar variation 1465979 (VCV001465979.11), dbSNP rs1161199196, ClinGen allele CA387370069.